The following is an entry in ClinVar:

ClinVar aggregate classification (germline): Uncertain significance (1 of 4 stars; one submission).

Conditions:
SEMA3B-related disorder. Also called: SEMA3B-related condition.

Allele frequency attached by ClinVar (database versions not stated): ExAC 0.00002.
gnomAD v4.1: 6 of 1,550,436 alleles (0.00039%); highest among the groups gnomAD compares: African/African-American, 0.0069%; no homozygotes.

Submission:

PreventionGenetics, part of Exact Sciences
Classification: Uncertain significance for SEMA3B-related condition. Last evaluated: 2022-08-29. Review status: criteria provided, single submitter. Criteria: ACMG Guidelines, 2015. Collection method: clinical testing. Allele origin: germline.
Comment: The SEMA3B c.1267C>A variant is predicted to result in the amino acid substitution p.Arg423Ser. To our knowledge, this variant has not been reported in the literature. This variant is reported in 0.0068% of alleles in individuals of African descent in gnomAD. At this time, the clinical significance of this variant is uncertain due to the absence of conclusive functional and genetic evidence.

NM_001290060.2(SEMA3B):c.1252C>A (p.Arg418Ser)

Gene: SEMA3B (semaphorin 3B; plus strand). Cytogenetic location: 3p21.31.
Variant type: single nucleotide variant.
Coding change: c.1252C>A on transcript NM_001290060.2 (MANE Select); coding-DNA position 1252, C replaced by A.
Protein change: p.Arg418Ser; replaces arginine 418 with serine.
Molecular consequence: missense variant. On other transcripts: non-coding transcript variant (1).
Genome position (GRCh38, 1-based): chr3:50,274,477, C>A. VCF-style: chr3-50274477-C-A. GRCh37 (hg19) VCF-style: chr3-50311908-C-A.
Other names: c.223C>A, p.Arg75Ser (NM_001290063.2, NM_001290062.2); c.1252C>A, p.Arg418Ser (NM_004636.4); c.1249C>A, p.Arg417Ser (NM_001005914.3); c.1267C>A, p.Arg423Ser (NM_001290061.1); short protein forms R417S, R418S, R423S, R75S.
Identifiers: ClinVar variation 2636452 (VCV002636452.1), dbSNP rs782516986, ClinGen allele CA2413995.